The following is an entry in ClinVar:

ClinVar aggregate classification (germline): Uncertain significance. Review status: criteria provided, multiple submitters, no conflicts (2 of 4 stars). 2 submissions from 2 submitters: Uncertain significance (2). Last evaluated 2026-06-04.

Conditions:
Hereditary cancer-predisposing syndrome. Also called: Hereditary neoplastic syndrome; Tumor predisposition; Hereditary Cancer Syndrome; Neoplastic Syndromes, Hereditary. Identifiers: Orphanet 140162, MedGen C0027672, MeSH D009386, MONDO:0015356.
Tuberous sclerosis 2 (TSC2). Identifiers: Orphanet 805, MedGen C1860707, MONDO:0013199, OMIM 613254.

Submissions (2):

Ambry Genetics
Classification: Uncertain significance for Hereditary cancer-predisposing syndrome. Last evaluated: 2026-06-04. Review status: criteria provided, single submitter. Criteria: Ambry Variant Classification Scheme 2023. Collection method: clinical testing. Allele origin: germline.
Comment: The p.K954I variant (also known as c.2861A>T), located in coding exon 25 of the TSC2 gene, results from an A to T substitution at nucleotide position 2861. The lysine at codon 954 is replaced by isoleucine, an amino acid with dissimilar properties. This amino acid position is conserved. In addition, the in silico prediction for this alteration is inconclusive. Based on the available evidence, the clinical significance of this variant remains unclear.

Labcorp Genetics (formerly Invitae), Labcorp
Classification: Uncertain significance for Tuberous sclerosis 2. Last evaluated: 2024-03-16. Review status: criteria provided, single submitter. Criteria: Invitae Variant Classification Sherloc (09022015). Collection method: clinical testing. Allele origin: germline.
Comment: This sequence change replaces lysine, which is basic and polar, with isoleucine, which is neutral and non-polar, at codon 954 of the TSC2 protein (p.Lys954Ile). This variant is not present in population databases (gnomAD no frequency). This variant has not been reported in the literature in individuals affected with TSC2-related conditions. Advanced modeling of protein sequence and biophysical properties (such as structural, functional, and spatial information, amino acid conservation, physicochemical variation, residue mobility, and thermodynamic stability) performed at Invitae indicates that this missense variant is not expected to disrupt TSC2 protein function with a negative predictive value of 95%. In summary, the available evidence is currently insufficient to determine the role of this variant in disease. Therefore, it has been classified as a Variant of Uncertain Significance.

NM_000548.5(TSC2):c.2861A>T (p.Lys954Ile)

Gene: TSC2 (TSC complex subunit 2; plus strand). Cytogenetic location: 16p13.3.
Variant type: single nucleotide variant.
Coding change: c.2861A>T on transcript NM_000548.5 (MANE Select); coding-DNA position 2861, A replaced by T.
Protein change: p.Lys954Ile; replaces lysine 954 with isoleucine.
Molecular consequence: missense variant. On other transcripts: intron variant (31).
Genome position (GRCh38, 1-based): chr16:2,077,621, A>T. VCF-style: chr16-2077621-A-T. GRCh37 (hg19) VCF-style: chr16-2127622-A-T.
Other names: c.2861A>T, p.Lys954Ile (NM_001114382.3, NM_001406663.1, NM_001406664.1); c.2750A>T, p.Lys917Ile (NM_001406670.1); c.2714A>T, p.Lys905Ile (NM_001406675.1, NM_001406676.1); c.2261A>T, p.Lys754Ile (NM_001406680.1, NM_001406682.1, NM_001406683.1 and 1 more transcripts); c.1517A>T, p.Lys506Ile (NM_001406689.1); c.1493+1036A>T (NM_001406693.1, NM_001406690.1, NM_001406692.1 and 5 more transcripts); c.2927+1036A>T (NM_001406667.1, NM_001406668.1); c.2237+1036A>T (NM_001406687.1, NM_001406685.1, NM_001318831.2 and 2 more transcripts); and 8 more; short protein forms K954I, K754I, K917I, K506I, K905I.
Identifiers: ClinVar variation 3637213 (VCV003637213.3).